The following is an entry in ClinVar:

NM_032271.3(TRAF7):c.1605C>T (p.Ser535=)

Gene: TRAF7 (TNF receptor associated factor 7; plus strand). Cytogenetic location: 16p13.3.
Variant type: single nucleotide variant.
Coding change: c.1605C>T on transcript NM_032271.3 (MANE Select); coding-DNA position 1605, C replaced by T.
Protein change: p.Ser535=; no amino-acid change (serine 535 retained).
Molecular consequence: synonymous variant.
Genome position (GRCh38, 1-based): chr16:2,175,601, C>T. VCF-style: chr16-2175601-C-T. GRCh37 (hg19) VCF-style: chr16-2225602-C-T.
Other names: c.1605C>T (NM_032271.2).
Identifiers: ClinVar variation 2646049 (VCV002646049.26), dbSNP rs200042334, ClinGen allele CA7835046.
Genomic context (GRCh38, chr16:2,175,601, plus strand): 5'-GCTCACAGGCCTCAACCACTGGGTGCGGGCCCTGGTGGCTGCCCAGAGCTACCTGTACAG[C>T]GGCTCCTACCAGACAATCAAGGTGCGCTTGGGCACACCTGGTGGCCACAGGGCCTTGCCT-3'
Protein context (NP_115647.2, residues 525-545): ALVAAQSYLY[Ser535=]GSYQTIKIWD

ClinVar aggregate classification (germline): Likely benign. Review status: criteria provided, multiple submitters, no conflicts (2 of 4 stars). 3 submissions from 3 submitters: Likely benign (2). 1 of the submissions does not count toward it. Last evaluated 2023-04-28.

Conditions:
TRAF7-related disorder. Also called: TRAF7-related condition.

Allele frequency attached by ClinVar (database versions not stated): gnomAD 0.00010; ExAC 0.00014; 1000 Genomes Project 0.00020; TOPMed 0.00024; 1000 Genomes Project 30x 0.00031.

Submissions (3):

Blueprint Genetics
Classification: Likely benign. Last evaluated: 2023-04-28. Review status: criteria provided, single submitter. Criteria: ACMG Guidelines, 2015. Collection method: clinical testing. Allele origin: germline.

CeGaT Center for Human Genetics Tuebingen
Classification: Likely benign. Last evaluated: 2023-01-01. Review status: criteria provided, single submitter. Criteria: CeGaT Center For Human Genetics Tuebingen Variant Classification Criteria Version 2. Collection method: clinical testing. Allele origin: germline. Affected: yes. Observed: 1 variant allele.
Comment: TRAF7: BP4, BP7

PreventionGenetics, part of Exact Sciences
Classification: Likely benign for TRAF7-related condition. Last evaluated: 2019-09-04. Review status: no assertion criteria provided. Collection method: clinical testing. Allele origin: germline. Not counted in ClinVar's aggregate classification.
Comment: This variant is classified as likely benign based on ACMG/AMP sequence variant interpretation guidelines (Richards et al. 2015 PMID: 25741868, with internal and published modifications).